The following is an entry in ClinVar:

ClinVar aggregate classification (germline): Benign. Review status: criteria provided, multiple submitters, no conflicts (2 of 4 stars). 2 submissions from 2 submitters: Benign (2). Last evaluated 2018-06-15.

Allele frequency attached by ClinVar (database versions not stated): gnomAD 0.60897; 1000 Genomes Project 0.45048; 1000 Genomes Project 30x 0.46299; TOPMed 0.58310.
gnomAD v4.1: 970,950 of 1,547,588 alleles (63%); highest among the groups gnomAD compares: Non-Finnish European, 67%; 315,217 homozygotes.

Submissions (2):

GeneDx
Classification: Benign. Last evaluated: 2018-06-15. Review status: criteria provided, single submitter. Criteria: GeneDx Variant Classification (06012015). Collection method: clinical testing. Allele origin: germline. Affected: yes.
Comment: This variant is considered likely benign or benign based on one or more of the following criteria: it is a conservative change, it occurs at a poorly conserved position in the protein, it is predicted to be benign by multiple in silico algorithms, and/or has population frequency not consistent with disease.

Breakthrough Genomics
Classification: Benign. Review status: criteria provided, single submitter. Criteria: ACMG Guidelines, 2015. Collection method: not provided. Allele origin: germline. Inheritance: Autosomal dominant inheritance. Affected: yes.

NM_001005242.3(PKP2):c.2446-69G>A

Gene: PKP2 (plakophilin 2; minus strand). Cytogenetic location: 12p11.21.
Variant type: single nucleotide variant.
Coding change: c.2446-69G>A on transcript NM_001005242.3 (MANE Select); 69 bases into the intron before coding-DNA position 2446, G replaced by A.
Molecular consequence: intron variant.
Genome position (GRCh38, 1-based): chr12:32,792,561, C>T on the plus strand (G>A on the coding strand, the complement: PKP2 is on the minus strand). VCF-style: chr12-32792561-C-T. GRCh37 (hg19) VCF-style: chr12-32945495-C-T.
Other names: c.2578-69G>A (NM_004572.4).
Identifiers: ClinVar variation 672160 (VCV000672160.2), dbSNP rs7956824, ClinGen allele CA13585691.